The following is an entry in ClinVar:

ClinVar aggregate classification (germline): Conflicting classifications of pathogenicity. Review status: criteria provided, conflicting classifications (1 of 4 stars). 3 submissions from 3 submitters: Uncertain significance (1); Likely benign (2). Last evaluated 2023-08-29.

Conditions:
Episodic ataxia type 2 (EA2). Also called: EPISODIC ATAXIA, NYSTAGMUS-ASSOCIATED; ACETAZOLAMIDE-RESPONSIVE HEREDITARY PAROXYSMAL CEREBELLAR ATAXIA; ATAXIA, EPISODIC, WITH NYSTAGMUS; ATAXIA, FAMILIAL PAROXYSMAL; CEREBELLAR ATAXIA, PAROXYSMAL, ACETAZOLAMIDE-RESPONSIVE; CEREBELLOPATHY, HEREDITARY PAROXYSMAL. Identifiers: Orphanet 97, MedGen C1720416, MONDO:0007163, OMIM 108500.
Developmental and epileptic encephalopathy, 42 (DEE42A). Also called: DEVELOPMENTAL AND EPILEPTIC ENCEPHALOPATHY 42A; EPILEPTIC ENCEPHALOPATHY, EARLY INFANTILE, 42A; Epileptic encephalopathy, early infantile, 42. Identifiers: MedGen C4310716, MONDO:0014917, OMIM 617106.

Allele frequency attached by ClinVar (database versions not stated): gnomAD exomes 0.00002; ExAC 0.00008.
gnomAD v4.1: 12 of 1,551,994 alleles (0.00077%); highest among the groups gnomAD compares: South Asian, 0.013%; 1 homozygote.

Submissions (3):

Blueprint Genetics
Classification: Likely benign. Last evaluated: 2023-08-29. Review status: criteria provided, single submitter. Criteria: ACMG Guidelines, 2015. Collection method: clinical testing. Allele origin: germline.

Labcorp Genetics (formerly Invitae), Labcorp
Classification: Likely benign for Developmental and epileptic encephalopathy, 42; Episodic ataxia type 2. Last evaluated: 2020-03-05. Review status: criteria provided, single submitter. Criteria: Invitae Variant Classification Sherloc (09022015). Collection method: clinical testing. Allele origin: germline.

GeneDx
Classification: Uncertain significance. Last evaluated: 2019-12-20. Review status: criteria provided, single submitter. Criteria: GeneDx Variant Classification Process June 2021. Collection method: clinical testing. Allele origin: germline. Affected: yes.
Comment: Has not been previously published as pathogenic or benign to our knowledge; In-silico analysis, which includes splice predictors and evolutionary conservation, is inconclusive as to whether the variant alters gene splicing. In the absence of RNA/functional studies, the actual effect of this sequence change is unknown.

NM_001127222.2(CACNA1A):c.1256-9T>C

Gene: CACNA1A (calcium voltage-gated channel subunit alpha1 A; minus strand). Cytogenetic location: 19p13.13.
Variant type: single nucleotide variant.
Coding change: c.1256-9T>C on transcript NM_001127222.2 (MANE Select); 9 bases into the intron before coding-DNA position 1256, T replaced by C.
Molecular consequence: intron variant.
Genome position (GRCh38, 1-based): chr19:13,330,342, A>G on the plus strand (T>C on the coding strand, the complement: CACNA1A is on the minus strand). VCF-style: chr19-13330342-A-G. GRCh37 (hg19) VCF-style: chr19-13441156-A-G.
Other names: c.1256-6T>C (NM_001127221.2, NM_001174080.2, NM_000068.4 and 1 more transcripts).
Identifiers: ClinVar variation 1090857 (VCV001090857.11), dbSNP rs758786727, ClinGen allele CA9240854.